The following is an entry in ClinVar:

NM_001370259.2(MEN1):c.5G>A (p.Gly2Glu)

Gene: MEN1 (menin 1; minus strand). Cytogenetic location: 11q13.1.
Variant type: single nucleotide variant.
Coding change: c.5G>A on transcript NM_001370259.2 (MANE Select); coding-DNA position 5, G replaced by A.
Protein change: p.Gly2Glu; replaces glycine 2 with glutamic acid.
Molecular consequence: missense variant.
Genome position (GRCh38, 1-based): chr11:64,810,105, C>T on the plus strand (G>A on the coding strand, the complement: MEN1 is on the minus strand). VCF-style: chr11-64810105-C-T. GRCh37 (hg19) VCF-style: chr11-64577577-C-T.
Other names: c.5G>A, p.Gly2Glu (NM_000244.4, NM_001370251.2, NM_001370260.2 and 9 more transcripts); short protein forms G2E.
Identifiers: ClinVar variation 645937 (VCV000645937.9), dbSNP rs1592661296, ClinGen allele CA381188335.

ClinVar aggregate classification (germline): Uncertain significance. Review status: criteria provided, multiple submitters, no conflicts (2 of 4 stars). 2 submissions from 2 submitters: Uncertain significance (2). Last evaluated 2023-07-25.

Conditions:
Multiple endocrine neoplasia, type 1 (MEN1). Also called: MEA I; MEN I; WERMER SYNDROME; Endocrine adenomatosis multiple; MEN 1. Identifiers: Orphanet 652, MedGen C0025267, MeSH D018761, MONDO:0007540, OMIM 131100.

Submissions (2):

Labcorp Genetics (formerly Invitae), Labcorp
Classification: Uncertain significance for Multiple endocrine neoplasia, type 1. Last evaluated: 2023-07-25. Review status: criteria provided, single submitter. Criteria: Invitae Variant Classification Sherloc (09022015). Collection method: clinical testing. Allele origin: germline.
Comment: This sequence change replaces glycine, which is neutral and non-polar, with glutamic acid, which is acidic and polar, at codon 2 of the MEN1 protein (p.Gly2Glu). This variant is not present in population databases (gnomAD no frequency). This variant has not been reported in the literature in individuals affected with MEN1-related conditions. ClinVar contains an entry for this variant (Variation ID: 645937). Advanced modeling of protein sequence and biophysical properties (such as structural, functional, and spatial information, amino acid conservation, physicochemical variation, residue mobility, and thermodynamic stability) performed at Invitae indicates that this missense variant is expected to disrupt MEN1 protein function. In summary, the available evidence is currently insufficient to determine the role of this variant in disease. Therefore, it has been classified as a Variant of Uncertain Significance.

All of Us Research Program, National Institutes of Health
Classification: Uncertain significance for Multiple endocrine neoplasia, type 1. Last evaluated: 2023-06-08. Review status: criteria provided, single submitter. Criteria: ACMG Guidelines, 2015. Collection method: clinical testing. Allele origin: germline. Inheritance: Autosomal dominant inheritance. Observed: 1 variant allele, 1 heterozygote.
Comment: This missense variant replaces glycine with glutamic acid at codon 2 of the MEN1 protein. Computational prediction suggests that this variant may have deleterious impact on protein structure and function (internally defined REVEL score threshold >= 0.7, PMID: 27666373). To our knowledge, functional studies have not been reported for this variant. This variant has not been reported in individuals affected with MEN1-related disorders in the literature. This variant has not been identified in the general population by the Genome Aggregation Database (gnomAD). The available evidence is insufficient to determine the role of this variant in disease conclusively. Therefore, this variant is classified as a Variant of Uncertain Significance.

This study involves interpretation of variants in research participants for the purpose of population health screening. Participant phenotype was not available at the time of variant classification. Additional details can be found in publication PMID: 35346344, PMCID: PMC8962531